The following is an entry in ClinVar:

NM_004172.5(SLC1A3):c.1003C>T (p.Leu335Phe)

Genes: SLC1A3 (solute carrier family 1 member 3; plus strand), SLC1A3-AS1 (SLC1A3 antisense RNA 1; minus strand). Cytogenetic location: 5p13.2.
Variant type: single nucleotide variant.
Coding change: c.1003C>T on transcript NM_004172.5 (MANE Select); coding-DNA position 1003, C replaced by T.
Protein change: p.Leu335Phe; replaces leucine 335 with phenylalanine.
Molecular consequence: missense variant.
Genome position (GRCh38, 1-based): chr5:36,679,769, C>T. VCF-style: chr5-36679769-C-T. GRCh37 (hg19) VCF-style: chr5-36679871-C-T.
Other names: c.1003C>T, p.Leu335Phe (NM_001166695.3, NM_001438454.1, NM_001438455.1 and 3 more transcripts); c.865C>T, p.Leu289Phe (NM_001289939.2); c.667C>T, p.Leu223Phe (NM_001289940.2); c.1144C>T, p.Leu382Phe (NM_001438458.1); c.721C>T, p.Leu241Phe (NM_001438460.1); c.703C>T, p.Leu235Phe (NM_001438461.1); c.682C>T, p.Leu228Phe (NM_001438462.1); short protein forms L223F, L228F, L235F, L241F, L289F, L335F, L382F.
Identifiers: ClinVar variation 4682209 (VCV004682209.1).
Genomic context (GRCh38, chr5:36,679,769, plus strand): 5'-GCCATGTACACCGTGACTGTCATTGTTGGCTTACTCATTCACGCAGTCATCGTCTTGCCA[C>T]TCCTCTACTTCTTGGTAACACGGAAAAACCCTTGGGTTTTTATTGGAGGGTTGCTGCAAG-3'
Protein context (NP_004163.3, residues 325-345): LLIHAVIVLP[Leu335Phe]LYFLVTRKNP

ClinVar aggregate classification (germline): Uncertain significance (1 of 4 stars; one submission).

gnomAD v4.1: 10 of 1,614,056 alleles (0.00062%); highest among the groups gnomAD compares: Admixed American, 0.017%; no homozygotes.

Submission:

Athena Diagnostics
Classification: Uncertain significance. Last evaluated: 2025-01-13. Review status: criteria provided, single submitter. Criteria: Athena Diagnostics Criteria. Collection method: clinical testing. Allele origin: unknown.
Comment: Available data are insufficient to determine the clinical significance of the variant at this time. The frequency of this variant in the general population is higher than would generally be expected for pathogenic variants in this gene. This variant has been seen where an alternate explanation for disease was also identified, suggesting this variant may not cause disease. Polyphen and MutationTaster yielded discordant predictions regarding whether this amino acid change is damaging to the protein.

Literature cited by the submitters: PubMed 29208948.